The following is an entry in ClinVar:

ClinVar aggregate classification (germline): Uncertain significance (1 of 4 stars; one submission).

Conditions:
Combined immunodeficiency due to ZAP70 deficiency (IMD48). Also called: Immunodeficiency 48; ZAP70 Deficiency. Identifiers: Orphanet 911, MedGen C2931299, MONDO:0010023, OMIM 269840.

Allele frequency attached by ClinVar (database versions not stated): gnomAD exomes below 0.00001.
gnomAD v4.1: 3 of 1,613,150 alleles (0.00019%); highest among the groups gnomAD compares: Non-Finnish European, 0.00025%; no homozygotes.

Submission:

Labcorp Genetics (formerly Invitae), Labcorp
Classification: Uncertain significance for Combined immunodeficiency due to ZAP70 deficiency. Last evaluated: 2021-09-29. Review status: criteria provided, single submitter. Criteria: Invitae Variant Classification Sherloc (09022015). Collection method: clinical testing. Allele origin: germline.
Comment: This variant has not been reported in the literature in individuals affected with ZAP70-related conditions. This variant is not present in population databases (ExAC no frequency). This sequence change replaces alanine with proline at codon 614 of the ZAP70 protein (p.Ala614Pro). The alanine residue is weakly conserved and there is a small physicochemical difference between alanine and proline. Algorithms developed to predict the effect of missense changes on protein structure and function output the following: SIFT: "Not Available"; PolyPhen-2: "Benign"; Align-GVGD: "Not Available". The proline amino acid residue is found in multiple mammalian species, which suggests that this missense change does not adversely affect protein function. In summary, the available evidence is currently insufficient to determine the role of this variant in disease. Therefore, it has been classified as a Variant of Uncertain Significance.

NM_001079.4(ZAP70):c.1840G>C (p.Ala614Pro)

Gene: ZAP70 (zeta chain of T cell receptor associated protein kinase 70; plus strand). Cytogenetic location: 2q11.2.
Variant type: single nucleotide variant.
Coding change: c.1840G>C on transcript NM_001079.4 (MANE Select); coding-DNA position 1840, G replaced by C.
Protein change: p.Ala614Pro; replaces alanine 614 with proline.
Molecular consequence: missense variant.
Genome position (GRCh38, 1-based): chr2:97,739,478, G>C. VCF-style: chr2-97739478-G-C. GRCh37 (hg19) VCF-style: chr2-98355941-G-C.
Other names: c.1840G>C, p.Ala614Pro (NM_001378594.1); c.919G>C, p.Ala307Pro (NM_207519.2); short protein forms A614P, A307P.
Identifiers: ClinVar variation 1406037 (VCV001406037.6), dbSNP rs2104709732, ClinGen allele CA347806643.